The following is an entry in ClinVar:

NM_005560.6(LAMA5):c.3727_3744dup (p.Leu1248_Thr1249insProProGlyLeuProLeu)

Gene: LAMA5 (laminin subunit alpha 5; minus strand). Cytogenetic location: 20q13.33.
Variant type: Duplication.
Coding change: c.3727_3744dup on transcript NM_005560.6 (MANE Select); coding-DNA positions 3727 to 3744, 18 bases duplicated (CCGCCCGGCCTCCCGCTG).
Protein change: p.Leu1248_Thr1249insProProGlyLeuProLeu.
Molecular consequence: inframe insertion.
Genome position (GRCh38, 1-based): chr20:62,330,851-62,330,868, CAGCGGGAGGCCGGGCGG duplicated on the plus strand (CCGCCCGGCCTCCCGCTG on the coding strand, the reverse complement: LAMA5 is on the minus strand); duplicating any 18 consecutive bases within chr20:62,330,851-62,330,876 gives the same sequence; the c. name uses the placement nearest the transcript's 3' end. VCF-style (leftmost placement, unchanged base first): chr20-62330850-T-TCAGCGGGAGGCCGGGCGG. GRCh37 (hg19) VCF-style: chr20-60905906-T-TCAGCGGGAGGCCGGGCGG.
Identifiers: ClinVar variation 3357133 (VCV003357133.1).

ClinVar aggregate classification (germline): Uncertain significance (0 of 4 stars; one submission).

Conditions:
LAMA5-related disorder. Also called: LAMA5-related condition; LAMA5-Related Disorders.

Submission:

PreventionGenetics, part of Exact Sciences
Classification: Uncertain significance for LAMA5-related condition. Last evaluated: 2024-04-08. Review status: no assertion criteria provided. Collection method: clinical testing. Allele origin: germline.
Comment: The LAMA5 c.3727_3744dup18 variant is predicted to result in an in-frame duplication (p.Pro1243_Leu1248dup). To our knowledge, this variant has not been reported in the literature. This variant is reported in 0.0083% of alleles in individuals of European (Non-Finnish) descent in gnomAD. At this time, the clinical significance of this variant is uncertain due to the absence of conclusive functional and genetic evidence.